The following is an entry in ClinVar:

NM_003921.5(BCL10):c.529C>G (p.Leu177Val)

Gene: BCL10 (BCL10 immune signaling adaptor; minus strand). Cytogenetic location: 1p22.3.
Variant type: single nucleotide variant.
Coding change: c.529C>G on transcript NM_003921.5 (MANE Select); coding-DNA position 529, C replaced by G.
Protein change: p.Leu177Val; replaces leucine 177 with valine.
Molecular consequence: missense variant.
Genome position (GRCh38, 1-based): chr1:85,267,800, G>C on the plus strand (C>G on the coding strand, the complement: BCL10 is on the minus strand). VCF-style: chr1-85267800-G-C. GRCh37 (hg19) VCF-style: chr1-85733483-G-C.
Other names: c.496C>G, p.Leu166Val (NM_001320715.2); short protein forms L177V, L166V.
Identifiers: ClinVar variation 849346 (VCV000849346.9), dbSNP rs1360050843, ClinGen allele CA340948785.
Genomic context (GRCh38, chr1:85,267,800, plus strand): 5'-CCCCAGGTCTGGGAAGTGTAGTTGAAGAGAAGATGGTATTTTCAGTTCTGCCTACTTCTA[G>C]AACAGGCAAATTCAGAGAAGAATTAGTAGAAAAAAAGGGCGTCGTGCTGGATTCTCCTTC-3'
Protein context (NP_003912.1, residues 167-187): STNSSLNLPV[Leu177Val]EVGRTENTIF

ClinVar aggregate classification (germline): Uncertain significance (1 of 4 stars; one submission).

Conditions:
Immunodeficiency 37 (IMD37). Identifiers: MedGen C4015195, MONDO:0014491, OMIM 616098.

gnomAD v4.1: 1 of 1,614,210 alleles (0.000062%); highest among the groups gnomAD compares: Non-Finnish European, 0.000085%; no homozygotes.

Submission:

Labcorp Genetics (formerly Invitae), Labcorp
Classification: Uncertain significance for Immunodeficiency 37. Last evaluated: 2019-12-04. Review status: criteria provided, single submitter. Criteria: Invitae Variant Classification Sherloc (09022015). Collection method: clinical testing. Allele origin: germline.
Comment: In summary, the available evidence is currently insufficient to determine the role of this variant in disease. Therefore, it has been classified as a Variant of Uncertain Significance. Algorithms developed to predict the effect of missense changes on protein structure and function output the following: SIFT: "Tolerated"; PolyPhen-2: "Benign"; Align-GVGD: "Class C0". The valine amino acid residue is found in multiple mammalian species, suggesting that this missense change does not adversely affect protein function. These predictions have not been confirmed by published functional studies and their clinical significance is uncertain. This variant has not been reported in the literature in individuals with BCL10-related conditions. This variant is not present in population databases (ExAC no frequency). This sequence change replaces leucine with valine at codon 177 of the BCL10 protein (p.Leu177Val). The leucine residue is moderately conserved and there is a small physicochemical difference between leucine and valine.